The following is an entry in ClinVar:

NM_001378615.1(CC2D2A):c.2269G>A (p.Ala757Thr)

Genes: CC2D2A (coiled-coil and C2 domain containing 2A; plus strand), FBXL5 (F-box and leucine rich repeat protein 5; minus strand). Cytogenetic location: 4p15.32.
Variant type: single nucleotide variant.
Coding change: c.2269G>A on transcript NM_001378615.1 (MANE Select); coding-DNA position 2269, G replaced by A.
Protein change: p.Ala757Thr; replaces alanine 757 with threonine.
Molecular consequence: missense variant.
Genome position (GRCh38, 1-based): chr4:15,550,911, G>A. VCF-style: chr4-15550911-G-A. GRCh37 (hg19) VCF-style: chr4-15552534-G-A.
Other names: c.2122G>A, p.Ala708Thr (NM_001378617.1); c.2269G>A, p.Ala757Thr (NM_001080522.2); short protein forms A708T, A757T.
Identifiers: ClinVar variation 3893436 (VCV003893436.1).

ClinVar aggregate classification (germline): Uncertain significance (1 of 4 stars; one submission).

Submission:

GeneDx
Classification: Uncertain significance. Last evaluated: 2024-10-22. Review status: criteria provided, single submitter. Criteria: GeneDx Variant Classification Process June 2021. Collection method: clinical testing. Allele origin: germline. Affected: yes.
Comment: Not observed at significant frequency in large population cohorts (gnomAD); In silico analysis indicates that this missense variant does not alter protein structure/function; Has not been previously published as pathogenic or benign to our knowledge